The following is an entry in ClinVar:

NM_001364905.1(LRBA):c.2449C>T (p.Gln817Ter)

Gene: LRBA (LPS responsive beige-like anchor protein; minus strand). Cytogenetic location: 4q31.3.
Variant type: single nucleotide variant.
Coding change: c.2449C>T on transcript NM_001364905.1 (MANE Select); coding-DNA position 2449, C replaced by T.
Protein change: p.Gln817Ter; replaces glutamine 817 with a stop codon.
Molecular consequence: nonsense.
Genome position (GRCh38, 1-based): chr4:150,870,525, G>A on the plus strand (C>T on the coding strand, the complement: LRBA is on the minus strand). VCF-style: chr4-150870525-G-A. GRCh37 (hg19) VCF-style: chr4-151791677-G-A.
Other names: c.2449C>T, p.Gln817Ter (NM_001199282.3, NM_001367550.1, NM_006726.5); short protein forms Q817*.
Identifiers: ClinVar variation 2664156 (VCV002664156.5), dbSNP rs1345661967, ClinGen allele CA358466092.

ClinVar aggregate classification (germline): Pathogenic/Likely pathogenic. Review status: criteria provided, multiple submitters, no conflicts (2 of 4 stars). 3 submissions from 3 submitters: Pathogenic (1); Likely pathogenic (1). 1 of the submissions does not count toward it. Last evaluated 2023-11-06.

Conditions:
Combined immunodeficiency due to LRBA deficiency. Also called: Common variable immunodeficiency 8, with autoimmunity. Identifiers: Orphanet 445018, MedGen C3553512, MONDO:0013863, OMIM 614700.

Allele frequency attached by ClinVar (database versions not stated): gnomAD exomes below 0.00001; TOPMed below 0.00001; gnomAD 0.00001.
gnomAD v4.1: 4 of 1,541,076 alleles (0.00026%); highest among the groups gnomAD compares: Admixed American, 0.0017%; no homozygotes.

Submissions (3):

Diagnostics Services (NGS), CSIR - Centre For Cellular And Molecular Biology
Classification: Likely pathogenic for Combined immunodeficiency due to LRBA deficiency. Last evaluated: 2023-11-06. Review status: criteria provided, single submitter. Criteria: ACMG Guidelines, 2015. Collection method: clinical testing. Allele origin: germline. Affected: yes. Observed: 1 variant allele, 1 homozygote.
Comment: The c.2449C>T variant is not present in publicly available population databases like 1000 Genomes, EVS, ExAC, Indian Exome Database or our in-house exome database. The variant is present in gnomAD at low frequency. This variant has neither been published in literature in individuals affected with LRBA-related conditions nor reported to the clinical databases like ClinVar, Human Genome Mutation Database (HGMD) or OMIM, in any affected individuals. In-silico pathogenicity prediction programs like MutationTaster2, CADD, Varsome, Franklin, InterVar etc predicted this variant to be likely deleterious. This variant creates a premature translational stop codon at the 817th amino acid position of the transcript that may either result in translation of a truncated protein or cause nonsense mediated decay of the mRNA.

Labcorp Genetics (formerly Invitae), Labcorp
Classification: Pathogenic for Combined immunodeficiency due to LRBA deficiency. Last evaluated: 2023-06-03. Review status: criteria provided, single submitter. Criteria: Invitae Variant Classification Sherloc (09022015). Collection method: clinical testing. Allele origin: germline.
Comment: This variant has not been reported in the literature in individuals affected with LRBA-related conditions. This sequence change creates a premature translational stop signal (p.Gln817*) in the LRBA gene. It is expected to result in an absent or disrupted protein product. Loss-of-function variants in LRBA are known to be pathogenic (PMID: 26206937, 26768763). This variant is present in population databases (no rsID available, gnomAD 0.003%). For these reasons, this variant has been classified as Pathogenic.

National Institute of Immunohaematology, Indian Council of Medical Research
Classification: Likely pathogenic for Combined immunodeficiency due to LRBA deficiency. Review status: no assertion criteria provided. Collection method: research. Allele origin: germline. Inheritance: Autosomal recessive inheritance. Affected: yes. Observed: 1 homozygote. Not counted in ClinVar's aggregate classification.
Comment: the variant Gln817Ter in LRBA gene has not been reported in any public databases and is evolutionary conserved site. The insilico prediction of this variant is damaging by SIFT, polyphen and Mutation taster.

Literature cited by the submitters: PubMed 26206937 (cited by Labcorp Genetics (formerly Invitae), Labcorp); PubMed 26768763 (cited by Labcorp Genetics (formerly Invitae), Labcorp); DOI 10.22541/AU.167602149.93712918/V1 (cited by National Institute of Immunohaematology, Indian Council of Medical Research).